The following is an entry in ClinVar:

NM_006767.4(LZTR1):c.443A>C (p.Asn148Thr)

Gene: LZTR1 (leucine zipper like post translational regulator 1; plus strand). Cytogenetic location: 22q11.21.
Variant type: single nucleotide variant.
Coding change: c.443A>C on transcript NM_006767.4 (MANE Select); coding-DNA position 443, A replaced by C.
Protein change: p.Asn148Thr; replaces asparagine 148 with threonine.
Molecular consequence: missense variant.
Genome position (GRCh38, 1-based): chr22:20,988,052, A>C. VCF-style: chr22-20988052-A-C. GRCh37 (hg19) VCF-style: chr22-21342341-A-C.
Other names: short protein forms N148T.
Identifiers: ClinVar variation 2810125 (VCV002810125.3), dbSNP rs2518613266, ClinGen allele CA410779788.
Genomic context (GRCh38, chr22:20,988,052, plus strand): 5'-CTCACTCTCTTTACTCAGGGGGTTACACTGGGGACATTTATTCCAATTCTAACTTGAAGA[A>C]TAAAAACGACCTCTTTGAATACAAGTTTGCAACTGGCCAGTGGACGGAGTGGAAAATTGA-3'
Protein context (NP_006758.2, residues 138-158): GDIYSNSNLK[Asn148Thr]KNDLFEYKFA

ClinVar aggregate classification (germline): Uncertain significance (1 of 4 stars; one submission).

Submission:

Labcorp Genetics (formerly Invitae), Labcorp
Classification: Uncertain significance. Last evaluated: 2023-04-10. Review status: criteria provided, single submitter. Criteria: Invitae Variant Classification Sherloc (09022015). Collection method: clinical testing. Allele origin: germline.
Comment: In summary, the available evidence is currently insufficient to determine the role of this variant in disease. Therefore, it has been classified as a Variant of Uncertain Significance. Advanced modeling of protein sequence and biophysical properties (such as structural, functional, and spatial information, amino acid conservation, physicochemical variation, residue mobility, and thermodynamic stability) performed at Invitae indicates that this missense variant is not expected to disrupt LZTR1 protein function. This variant has not been reported in the literature in individuals affected with LZTR1-related conditions. This variant is not present in population databases (gnomAD no frequency). This sequence change replaces asparagine, which is neutral and polar, with threonine, which is neutral and polar, at codon 148 of the LZTR1 protein (p.Asn148Thr).